The following is an entry in ClinVar:

NM_004519.4(KCNQ3):c.1884+5G>C

Gene: KCNQ3 (potassium voltage-gated channel subfamily Q member 3; minus strand). Cytogenetic location: 8q24.22.
Variant type: single nucleotide variant.
Coding change: c.1884+5G>C on transcript NM_004519.4 (MANE Select); 5 bases into the intron after coding-DNA position 1884, G replaced by C.
Molecular consequence: intron variant.
Genome position (GRCh38, 1-based): chr8:132,132,175, C>G on the plus strand (G>C on the coding strand, the complement: KCNQ3 is on the minus strand). VCF-style: chr8-132132175-C-G. GRCh37 (hg19) VCF-style: chr8-133144422-C-G.
Other names: c.1524+5G>C (NM_001204824.2).
Identifiers: ClinVar variation 910595 (VCV000910595.9), dbSNP rs1824906467, ClinGen allele CA1139660775.

ClinVar aggregate classification (germline): Uncertain significance. Review status: criteria provided, multiple submitters, no conflicts (2 of 4 stars). 2 submissions from 2 submitters: Uncertain significance (2). Last evaluated 2021-08-06.

Conditions:
Benign neonatal seizures. Also called: Benign neonatal familial convulsions; Benign familial neonatal seizures; Convulsions benign familial neonatal dominant form; Autosomal dominant form of benign neonatal seizures; Benign familial neonatal epilepsy. Identifiers: Orphanet 1949, MedGen C0220669, MONDO:0016027.
Seizures, benign familial neonatal, 2. Also called: Benign Neonatal Epilepsy 2; CONVULSIONS, BENIGN FAMILIAL NEONATAL, 2; KCNQ3-Related Benign Familial Neonatal Epilepsy; KCNQ3-Related Self-Limited Familial Neonatal Epilepsy (SLFNE); Seizures, benign neonatal, 2. Identifiers: Orphanet 1949, MedGen C1852581, MONDO:0007366, OMIM 121201.

Submissions (2):

Labcorp Genetics (formerly Invitae), Labcorp
Classification: Uncertain significance for Benign neonatal seizures. Last evaluated: 2021-08-06. Review status: criteria provided, single submitter. Criteria: Invitae Variant Classification Sherloc (09022015). Collection method: clinical testing. Allele origin: germline.
Comment: This sequence change falls in intron 14 of the KCNQ3 gene. It does not directly change the encoded amino acid sequence of the KCNQ3 protein. It affects a nucleotide within the consensus splice site of the intron. In summary, the available evidence is currently insufficient to determine the role of this variant in disease. Therefore, it has been classified as a Variant of Uncertain Significance. ClinVar contains an entry for this variant (Variation ID: 910595). Variants that disrupts the consensus splice site are a relatively common cause of aberrant splicing (PMID: 17576681, 9536098). Algorithms developed to predict the effect of sequence changes on RNA splicing suggest that this variant may disrupt the consensus splice site. This variant is not present in population databases (ExAC no frequency). This variant has not been reported in the literature in individuals affected with KCNQ3-related conditions.

Illumina Laboratory Services, Illumina
Classification: Uncertain significance for Seizures, benign familial neonatal, 2. Last evaluated: 2018-01-13. Review status: criteria provided, single submitter. Criteria: ICSL Variant Classification Criteria 13 December 2019. Collection method: clinical testing. Allele origin: germline.

Literature cited by the submitters: PubMed 17576681 (cited by Labcorp Genetics (formerly Invitae), Labcorp); PubMed 9536098 (cited by Labcorp Genetics (formerly Invitae), Labcorp).